The following is an entry in ClinVar:

NM_014727.3(KMT2B):c.7513_7514del (p.Asn2505fs)

Gene: KMT2B (lysine methyltransferase 2B; plus strand). Cytogenetic location: 19q13.12.
Variant type: Deletion.
Coding change: c.7513_7514del on transcript NM_014727.3 (MANE Select); coding-DNA positions 7513 to 7514, 2 bases deleted (AA; older notation c.7513_7514delAA).
Protein change: p.Asn2505fs; shifts the reading frame from asparagine 2505.
Molecular consequence: frameshift variant.
Genome position (GRCh38, 1-based): chr19:35,737,226-35,737,227, AA deleted. VCF-style (leftmost placement, unchanged base first): chr19-35737225-GAA-G. GRCh37 (hg19) VCF-style: chr19-36228126-GAA-G.
Other names: short protein forms N2505fs.
Identifiers: ClinVar variation 2227434 (VCV002227434.2), dbSNP rs2513366562, ClinGen allele CA2580096862.

ClinVar aggregate classification (germline): Pathogenic (1 of 4 stars; one submission).

Conditions:
Inborn genetic diseases. Identifiers: MedGen C0950123, MeSH D030342.

Submission:

Ambry Genetics
Classification: Pathogenic for Inborn genetic diseases. Last evaluated: 2021-05-18. Review status: criteria provided, single submitter. Criteria: Ambry Variant Classification Scheme 2023. Collection method: clinical testing. Allele origin: germline.
Comment: The c.7513_7514delAA (p.N2505Sfs*17) alteration, located in exon 33 (coding exon 33) of the KMT2B gene, consists of a deletion of 2 nucleotides from position 7513 to 7514, causing a translational frameshift with a predicted alternate stop codon after 17 amino acids. This alteration is expected to result in loss of function by premature protein truncation or nonsense-mediated mRNA decay. Based on data from the Genome Aggregation Database (gnomAD), the KMT2B c.7513_7514delAA alteration was not observed, with coverage at this position. Based on the available evidence, this alteration is classified as pathogenic.